The following is an entry in ClinVar:

ClinVar aggregate classification (germline): Uncertain significance. Review status: criteria provided, multiple submitters, no conflicts (2 of 4 stars). 8 submissions from 8 submitters: Uncertain significance (8). Last evaluated 2025-12-02.

Conditions:
Progressive bulbar palsy of childhood. Also called: Childhood Progressive Bulbar Palsy; FAZIO-LONDE DISEASE. Identifiers: MedGen C0393540, MONDO:0100428, OMIM 211500.
Brown-Vialetto-van Laere syndrome 1. Also called: BROWN-VIALETTO-VAN LAERE SYNDROME 1, MILD; BULBAR PALSY, PROGRESSIVE, WITH SENSORINEURAL DEAFNESS; PONTOBULBAR PALSY WITH DEAFNESS. Identifiers: Orphanet 572550, Orphanet 97229, MedGen C0796274, MONDO:0024537, OMIM 211530.
Inborn genetic diseases. Identifiers: MedGen C0950123, MeSH D030342.

Allele frequency attached by ClinVar (database versions not stated): 1000 Genomes Project 0.00020; ESP Exome Variant Server 0.00023; ExAC 0.00009; gnomAD exomes 0.00010; TOPMed 0.00022; 1000 Genomes Project 30x 0.00031.
gnomAD v4.1: 407 of 1,613,634 alleles (0.025%); highest among the groups gnomAD compares: Admixed American, 0.088%; no homozygotes.

Submissions (8):

Ambry Genetics
Classification: Uncertain significance for Inborn genetic diseases. Last evaluated: 2025-12-02. Review status: criteria provided, single submitter. Criteria: Ambry Variant Classification Scheme 2023. Collection method: clinical testing. Allele origin: germline.

GeneDx
Classification: Uncertain significance. Last evaluated: 2024-11-12. Review status: criteria provided, single submitter. Criteria: GeneDx Variant Classification Process June 2021. Collection method: clinical testing. Allele origin: germline. Affected: yes.
Comment: In silico analysis indicates that this missense variant does not alter protein structure/function; Reported previously in the heterozygous state in an individual with Brown-Vialetto-Van Laere syndrome, however, a second SLC52A3 variant was not identified (PMID: 29053833); This variant is associated with the following publications: (PMID: 34662687, 32022482, 29053833)

Mayo Clinic Laboratories, Mayo Clinic
Classification: Uncertain significance. Last evaluated: 2024-08-12. Review status: criteria provided, single submitter. Criteria: ACMG Guidelines, 2015. Collection method: clinical testing. Allele origin: germline. Observed: 1 variant allele.

Labcorp Genetics (formerly Invitae), Labcorp
Classification: Uncertain significance for Brown-Vialetto-van Laere syndrome 1. Last evaluated: 2024-01-09. Review status: criteria provided, single submitter. Criteria: Invitae Variant Classification Sherloc (09022015). Collection method: clinical testing. Allele origin: germline.
Comment: This sequence change replaces isoleucine, which is neutral and non-polar, with leucine, which is neutral and non-polar, at codon 20 of the SLC52A3 protein (p.Ile20Leu). This variant is present in population databases (rs148387972, gnomAD 0.02%). This missense change has been observed in individual(s) with Brown-Vialetto-Van Laere syndrome (PMID: 29053833). ClinVar contains an entry for this variant (Variation ID: 856021). Advanced modeling of protein sequence and biophysical properties (such as structural, functional, and spatial information, amino acid conservation, physicochemical variation, residue mobility, and thermodynamic stability) performed at Invitae indicates that this missense variant is not expected to disrupt SLC52A3 protein function with a negative predictive value of 80%. In summary, the available evidence is currently insufficient to determine the role of this variant in disease. Therefore, it has been classified as a Variant of Uncertain Significance.

Blueprint Genetics
Classification: Uncertain significance. Last evaluated: 2023-05-23. Review status: criteria provided, single submitter. Criteria: ACMG Guidelines, 2015. Collection method: clinical testing. Allele origin: germline.

CeGaT Center for Human Genetics Tuebingen
Classification: Uncertain significance. Last evaluated: 2022-12-01. Review status: criteria provided, single submitter. Criteria: CeGaT Center For Human Genetics Tuebingen Variant Classification Criteria Version 2. Collection method: clinical testing. Allele origin: germline. Affected: yes. Observed: 1 variant allele.
Comment: SLC52A3: PS4:Supporting

Fulgent Genetics
Classification: Uncertain significance for Progressive bulbar palsy of childhood; Brown-Vialetto-van Laere syndrome 1. Last evaluated: 2021-09-28. Review status: criteria provided, single submitter. Criteria: ACMG Guidelines, 2015. Collection method: clinical testing. Allele origin: unknown.

Centre for Mendelian Genomics, University Medical Centre Ljubljana
Classification: Uncertain significance for Progressive bulbar palsy of childhood. Last evaluated: 2018-11-29. Review status: criteria provided, single submitter. Criteria: ACMG Guidelines, 2015. Collection method: clinical testing. Allele origin: unknown. Affected: yes.
Comment: This variant was classified as: Uncertain significance. The available evidence on this variant's pathogenicity is insufficient or conflicting. The following ACMG criteria were applied in classifying this variant: PM2,PP3.

Literature cited by the submitters: PubMed 29053833 (cited by Mayo Clinic Laboratories, Mayo Clinic and Labcorp Genetics (formerly Invitae), Labcorp); PubMed 34662687 (cited by Mayo Clinic Laboratories, Mayo Clinic).

NM_033409.4(SLC52A3):c.58A>C (p.Ile20Leu)

Gene: SLC52A3 (solute carrier family 52 member 3; minus strand). Cytogenetic location: 20p13.
Variant type: single nucleotide variant.
Coding change: c.58A>C on transcript NM_033409.4 (MANE Select); coding-DNA position 58, A replaced by C.
Protein change: p.Ile20Leu; replaces isoleucine 20 with leucine.
Molecular consequence: missense variant.
Genome position (GRCh38, 1-based): chr20:765,717, T>G on the plus strand (A>C on the coding strand, the complement: SLC52A3 is on the minus strand). VCF-style: chr20-765717-T-G. GRCh37 (hg19) VCF-style: chr20-746361-T-G.
Other names: p.Ile20Leu; c.58A>C, p.Ile20Leu (NM_001370085.1, NM_001370086.1); short protein forms I20L.
Identifiers: ClinVar variation 856021 (VCV000856021.42), dbSNP rs148387972, ClinGen allele CA9724836.
Genomic context (GRCh38, chr20:765,717, plus strand): 5'-GGTACCAGCCCTCGGGCAGCTCCATCACCAGCAGGGGCAGCTCTACCCAGAGCCCATTGA[T>G]GGTCACCCAGGAGCCCATTCCGAAGACGCAGACCAGCAGGTGCATCAGGAAGGCCATGGC-3'
Protein context (NP_212134.3, residues 10-30): CVFGMGSWVT[Ile20Leu]NGLWVELPLL